The following is an entry in ClinVar:

ClinVar aggregate classification (germline): Conflicting classifications of pathogenicity. Review status: criteria provided, conflicting classifications (1 of 4 stars). 7 submissions from 7 submitters: Likely pathogenic (1); Uncertain significance (5); Likely benign (1). Last evaluated 2026-01-27.

Conditions:
OCA2-related disorder. Also called: OCA2-related condition.
Tyrosinase-positive oculocutaneous albinism (OCA2). Also called: ALBINISM II; Albinism, oculocutaneous, type II; Oculocutaneous albinism type 2. Identifiers: Orphanet 79432, MedGen C0268495, MONDO:0008746, OMIM 203200.
SKIN/HAIR/EYE PIGMENTATION 1, BLUE/NONBLUE EYES (SHEP1). Also called: SKIN/HAIR/EYE PIGMENTATION 1, BLOND/BROWN HAIR; SKIN/HAIR/EYE PIGMENTATION 1, BLUE/BROWN EYES; BROWN EYE COLOR 2; EYE COLOR 3; EYE COLOR, BLUE/NONBLUE; EYE COLOR, BROWN/BLUE. Identifiers: MedGen C1856895, OMIM 227220.

Allele frequency attached by ClinVar (database versions not stated): gnomAD exomes 0.00016 and 0.00023; ExAC 0.00017; ESP Exome Variant Server 0.00031; gnomAD 0.00042 and 0.00044; TOPMed 0.00043.
gnomAD v4.1: 391 of 1,613,868 alleles (0.024%); highest among the groups gnomAD compares: African/African-American, 0.075%; 1 homozygote.

Submissions (7):

Labcorp Genetics (formerly Invitae), Labcorp
Classification: Likely benign. Last evaluated: 2026-01-27. Review status: criteria provided, single submitter. Criteria: Invitae Variant Classification Sherloc (09022015). Collection method: clinical testing. Allele origin: germline.

PreventionGenetics, part of Exact Sciences
Classification: Uncertain significance for OCA2-related condition. Last evaluated: 2025-06-16. Review status: criteria provided, single submitter. Criteria: ACMG Guidelines, 2015. Collection method: clinical testing. Allele origin: germline.
Comment: The OCA2 c.1336A>G variant is predicted to result in the amino acid substitution p.Met446Val. This variant has been reported in the absence of a second OCA2 variant in an individual with oculocutaneous albinism (Spritz et al. 1997. PubMed ID: 9259203). This variant has also been reported in the heterozygous state in a family with cutaneous melanoma (Nathan et al. 2019. PubMed ID: 31233279). This variant is present in 0.056% of alleles in individuals of African descent in gnomAD. At this time, the clinical significance of this variant is uncertain due to the absence of conclusive functional and genetic evidence.

Laboratory of Genetic Epidemiology, Research Centre for Medical Genetics
Classification: Likely pathogenic for SKIN/HAIR/EYE PIGMENTATION 1, BLUE/NONBLUE EYES; Tyrosinase-positive oculocutaneous albinism. Last evaluated: 2025-01-01. Review status: criteria provided, single submitter. Criteria: ACMG Guidelines, 2015. Collection method: clinical testing. Allele origin: paternal. Inheritance: Autosomal recessive inheritance. Affected: yes. Observed: 1 hemizygote.
Comment: The missense variant NM_000275.3:c.1336A>G, p.(Met446Val) was identified in a compound heterozygous state in two proband diagnosed with albinism. This variant has been previously reported in the literature (PMID: 31233279) and is listed in gnomAD v3.1.2 with allele frequency 0.0003 in Europe (24/67996), none in homozygous state. The affected amino acid position is evolutionarily conserved, and multiple in silico prediction tools support a deleterious effect. Taken together, the variant meets the following ACMG/AMP criteria and can be classified as likely pathogenic with PM2, PP3, PM3, PP5, PP4 criteria.

Blueprint Genetics
Classification: Uncertain significance. Last evaluated: 2024-07-10. Review status: criteria provided, single submitter. Criteria: ACMG Guidelines, 2015. Collection method: clinical testing. Allele origin: germline.

Institute of Human Genetics, University of Leipzig Medical Center
Classification: Uncertain significance for Tyrosinase-positive oculocutaneous albinism. Last evaluated: 2023-10-16. Review status: criteria provided, single submitter. Criteria: ACMG Guidelines, 2015. Collection method: clinical testing. Allele origin: unknown. Inheritance: Autosomal recessive inheritance. Affected: yes.
Comment: Criteria applied: PS4_SUP,PM2_SUP

Women's Health and Genetics/Laboratory Corporation of America, LabCorp
Classification: Uncertain significance. Last evaluated: 2023-05-05. Review status: criteria provided, single submitter. Criteria: LabCorp Variant Classification Summary - May 2015. Collection method: clinical testing. Allele origin: germline.
Comment: Variant summary: OCA2 c.1336A>G (p.Met446Val) results in a conservative amino acid change located in the Citrate transporter-like domain (IPR004680) of the encoded protein sequence. Five of five in-silico tools predict a benign effect of the variant on protein function. The variant allele was found at a frequency of 0.0002 in 281578 control chromosomes (gnomAD). This frequency is not significantly higher than estimated for a pathogenic variant in OCA2 causing Oculocutaneous Albinism (0.0002 vs 0.0043), allowing no conclusion about variant significance. c.1336A>G has been reported in the literature in at least one compound heterozygous individual affected with Oculocutaneous Albinism (Hutton_2008). These data do not allow any conclusion about variant significance. To our knowledge, no experimental evidence demonstrating an impact on protein function has been reported. The following publications have been ascertained in the context of this evaluation (PMID: 18326704, 9259203). Two ClinVar submitters have assessed the variant since 2014: one classified the variant as uncertain significance, and one as likely benign. Based on the evidence outlined above, the variant was classified as uncertain significance.

Illumina Laboratory Services, Illumina
Classification: Uncertain significance for Tyrosinase-positive oculocutaneous albinism. Last evaluated: 2017-04-27. Review status: criteria provided, single submitter. Criteria: ICSL Variant Classification Criteria 13 December 2019. Collection method: clinical testing. Allele origin: germline.
Comment: This variant was observed as part of a predisposition screen in an ostensibly healthy population. A literature search was performed for the gene, cDNA change, and amino acid change (where applicable). Publications were found based on this search. However, the evidence from the literature, in combination with allele frequency data from public databases where available, was not sufficient to rule this variant in or out of causing disease. Therefore, this variant is classified as a variant of unknown significance.

Literature cited by the submitters: PubMed 31233279 (cited by Laboratory of Genetic Epidemiology, Research Centre for Medical Genetics); PubMed 41428507 (cited by Laboratory of Genetic Epidemiology, Research Centre for Medical Genetics); PubMed 18326704 (cited by Women's Health and Genetics/Laboratory Corporation of America, LabCorp and Illumina Laboratory Services, Illumina); PubMed 9259203 (cited by Women's Health and Genetics/Laboratory Corporation of America, LabCorp and Illumina Laboratory Services, Illumina); PubMed 23824587 (cited by Illumina Laboratory Services, Illumina).

NM_000275.3(OCA2):c.1336A>G (p.Met446Val)

Gene: OCA2 (OCA2 melanosomal transmembrane protein; minus strand). Cytogenetic location: 15q13.1.
Variant type: single nucleotide variant.
Coding change: c.1336A>G on transcript NM_000275.3 (MANE Select); coding-DNA position 1336, A replaced by G.
Protein change: p.Met446Val; replaces methionine 446 with valine.
Molecular consequence: missense variant.
Genome position (GRCh38, 1-based): chr15:27,985,092, T>C on the plus strand (A>G on the coding strand, the complement: OCA2 is on the minus strand). VCF-style: chr15-27985092-T-C. GRCh37 (hg19) VCF-style: chr15-28230238-T-C.
Other names: c.1264A>G, p.Met422Val (NM_001300984.2); short protein forms M422V, M446V.
Identifiers: ClinVar variation 887142 (VCV000887142.17), dbSNP rs140566426, ClinGen allele CA7439079.